The following is an entry in ClinVar:

ClinVar aggregate classification (germline): Uncertain significance. Review status: criteria provided, multiple submitters, no conflicts (2 of 4 stars). 3 submissions from 3 submitters: Uncertain significance (3). Last evaluated 2025-03-22.

Conditions:
Tuberous sclerosis 1 (TSC1). Identifiers: Orphanet 805, MedGen C1854465, MONDO:0008612, OMIM 191100.
Hereditary cancer-predisposing syndrome. Also called: Neoplastic Syndromes, Hereditary; Hereditary Cancer Syndrome; Tumor predisposition; Hereditary neoplastic syndrome. Identifiers: Orphanet 140162, MedGen C0027672, MeSH D009386, MONDO:0015356.

Submissions (3):

Ambry Genetics
Classification: Uncertain significance for Hereditary cancer-predisposing syndrome. Last evaluated: 2025-03-22. Review status: criteria provided, single submitter. Criteria: Ambry Variant Classification Scheme 2023. Collection method: clinical testing. Allele origin: germline.
Comment: The p.Q898K variant (also known as c.2692C>A), located in coding exon 19 of the TSC1 gene, results from a C to A substitution at nucleotide position 2692. The glutamine at codon 898 is replaced by lysine, an amino acid with similar properties. This amino acid position is conserved. In addition, the in silico prediction for this alteration is inconclusive. Based on the available evidence, the clinical significance of this variant remains unclear.

Labcorp Genetics (formerly Invitae), Labcorp
Classification: Uncertain significance for Tuberous sclerosis 1. Last evaluated: 2024-12-18. Review status: criteria provided, single submitter. Criteria: Invitae Variant Classification Sherloc (09022015). Collection method: clinical testing. Allele origin: germline.
Comment: This sequence change replaces glutamine, which is neutral and polar, with lysine, which is basic and polar, at codon 898 of the TSC1 protein (p.Gln898Lys). This variant is not present in population databases (gnomAD no frequency). This variant has not been reported in the literature in individuals affected with TSC1-related conditions. ClinVar contains an entry for this variant (Variation ID: 1313120). Invitae Evidence Modeling of protein sequence and biophysical properties (such as structural, functional, and spatial information, amino acid conservation, physicochemical variation, residue mobility, and thermodynamic stability) indicates that this missense variant is not expected to disrupt TSC1 protein function with a negative predictive value of 95%. In summary, the available evidence is currently insufficient to determine the role of this variant in disease. Therefore, it has been classified as a Variant of Uncertain Significance.

GeneDx
Classification: Uncertain significance. Last evaluated: 2020-07-13. Review status: criteria provided, single submitter. Criteria: GeneDx Variant Classification Process June 2021. Collection method: clinical testing. Allele origin: germline. Affected: yes.
Comment: Not observed in large population cohorts (Lek et al., 2016); In silico analysis supports that this missense variant does not alter protein structure/function; Has not been previously published as pathogenic or benign to our knowledge

NM_000368.5(TSC1):c.2692C>A (p.Gln898Lys)

Gene: TSC1 (TSC complex subunit 1; minus strand). Cytogenetic location: 9q34.13.
Variant type: single nucleotide variant.
Coding change: c.2692C>A on transcript NM_000368.5 (MANE Select); coding-DNA position 2692, C replaced by A.
Protein change: p.Gln898Lys; replaces glutamine 898 with lysine.
Molecular consequence: missense variant.
Genome position (GRCh38, 1-based): chr9:132,897,544, G>T on the plus strand (C>A on the coding strand, the complement: TSC1 is on the minus strand). VCF-style: chr9-132897544-G-T. GRCh37 (hg19) VCF-style: chr9-135772931-G-T.
Other names: c.2689C>A, p.Gln897Lys (NM_001162426.2); c.2539C>A, p.Gln847Lys (NM_001162427.2); c.2329C>A, p.Gln777Lys (NM_001362177.2); short protein forms Q777K, Q847K, Q897K, Q898K.
Identifiers: ClinVar variation 1313120 (VCV001313120.7), dbSNP rs118203728, ClinGen allele CA375369457.